The following is an entry in ClinVar:

NM_153676.4(USH1C):c.838A>C (p.Ser280Arg)

Gene: USH1C (USH1 protein network component harmonin; minus strand). Cytogenetic location: 11p15.1.
Variant type: single nucleotide variant.
Coding change: c.838A>C on transcript NM_153676.4 (MANE Select); coding-DNA position 838, A replaced by C.
Protein change: p.Ser280Arg; replaces serine 280 with arginine.
Molecular consequence: missense variant. On other transcripts: non-coding transcript variant (1), intron variant (1).
Genome position (GRCh38, 1-based): chr11:17,523,249, T>G on the plus strand (A>C on the coding strand, the complement: USH1C is on the minus strand). VCF-style: chr11-17523249-T-G. GRCh37 (hg19) VCF-style: chr11-17544796-T-G.
Other names: c.838A>C, p.Ser280Arg (NM_005709.4); c.819+170A>C (NM_001297764.2); short protein forms S280R.
Identifiers: ClinVar variation 2100567 (VCV002100567.1), dbSNP rs775519842, ClinGen allele CA379789116.
Genomic context (GRCh38, chr11:17,523,249, plus strand): 5'-CACCAGCTCATTCTGGACTTACAGCTGCAGCTACAATGGAGATGGTCAGGCTGCGGCTAC[T>G]CTTCAGCACATTTACAGCCTGTGGGGACAGAAGGACAGTGGGCCGAGGCCTGACAGACCA-3'
Protein context (NP_710142.1, residues 270-290): DHKEAVNVLK[Ser280Arg]SRSLTISIVA

ClinVar aggregate classification (germline): Uncertain significance (1 of 4 stars; one submission).

gnomAD v4.1: 11 of 1,614,174 alleles (0.00068%); highest among the groups gnomAD compares: Non-Finnish European, 0.00093%; no homozygotes.

Submission:

Labcorp Genetics (formerly Invitae), Labcorp
Classification: Uncertain significance. Last evaluated: 2022-02-20. Review status: criteria provided, single submitter. Criteria: Invitae Variant Classification Sherloc (09022015). Collection method: clinical testing. Allele origin: germline.
Comment: This sequence change replaces serine, which is neutral and polar, with arginine, which is basic and polar, at codon 280 of the USH1C protein (p.Ser280Arg). This variant is not present in population databases (gnomAD no frequency). This variant has not been reported in the literature in individuals affected with USH1C-related conditions. Algorithms developed to predict the effect of missense changes on protein structure and function are either unavailable or do not agree on the potential impact of this missense change (SIFT: "Deleterious"; PolyPhen-2: "Benign"; Align-GVGD: "Class C0"). In summary, the available evidence is currently insufficient to determine the role of this variant in disease. Therefore, it has been classified as a Variant of Uncertain Significance.